The following is an entry in ClinVar:

ClinVar aggregate classification (germline): Uncertain significance. Review status: criteria provided, multiple submitters, no conflicts (2 of 4 stars). 2 submissions from 2 submitters: Uncertain significance (2). Last evaluated 2021-08-14.

Conditions:
Immunodeficiency 51 (IMD51). Also called: CANDIDIASIS, FAMILIAL, 5. Identifiers: Orphanet 1334, MedGen C4310803, MONDO:0013500, OMIM 613953.

Allele frequency attached by ClinVar (database versions not stated): gnomAD exomes below 0.00001 and 0.00001; ExAC 0.00001; gnomAD 0.00001; TOPMed 0.00002.

Submissions (2):

Labcorp Genetics (formerly Invitae), Labcorp
Classification: Uncertain significance for Immunodeficiency 51. Last evaluated: 2021-08-14. Review status: criteria provided, single submitter. Criteria: Invitae Variant Classification Sherloc (09022015). Collection method: clinical testing. Allele origin: germline.
Comment: This sequence change replaces arginine with glutamine at codon 141 of the IL17RA protein (p.Arg141Gln). The arginine residue is moderately conserved and there is a small physicochemical difference between arginine and glutamine. This variant is present in population databases (rs746193437, ExAC 0.002%). This variant has not been reported in the literature in individuals affected with IL17RA-related conditions. ClinVar contains an entry for this variant (Variation ID: 340570). Algorithms developed to predict the effect of missense changes on protein structure and function are either unavailable or do not agree on the potential impact of this missense change (SIFT: "Deleterious"; PolyPhen-2: "Benign"; Align-GVGD: "Class C0"). In summary, the available evidence is currently insufficient to determine the role of this variant in disease. Therefore, it has been classified as a Variant of Uncertain Significance.

Illumina Laboratory Services, Illumina
Classification: Uncertain significance for Immunodeficiency 51. Last evaluated: 2018-01-13. Review status: criteria provided, single submitter. Criteria: ICSL Variant Classification Criteria 13 December 2019. Collection method: clinical testing. Allele origin: germline.

NM_014339.7(IL17RA):c.422G>A (p.Arg141Gln)

Gene: IL17RA (interleukin 17 receptor A; plus strand). Cytogenetic location: 22q11.1.
Variant type: single nucleotide variant.
Coding change: c.422G>A on transcript NM_014339.7 (MANE Select); coding-DNA position 422, G replaced by A.
Protein change: p.Arg141Gln; replaces arginine 141 with glutamine.
Molecular consequence: missense variant.
Genome position (GRCh38, 1-based): chr22:17,098,886, G>A. VCF-style: chr22-17098886-G-A. GRCh37 (hg19) VCF-style: chr22-17579776-G-A.
Other names: c.422G>A, p.Arg141Gln (NM_001289905.2); short protein forms R141Q.
Identifiers: ClinVar variation 340570 (VCV000340570.9), dbSNP rs746193437, ClinGen allele CA10086331.